The following is an entry in ClinVar:

NM_006348.5(COG5):c.524G>A (p.Ser175Asn)

Gene: COG5 (component of oligomeric golgi complex 5; minus strand). Cytogenetic location: 7q22.3.
Variant type: single nucleotide variant.
Coding change: c.524G>A on transcript NM_006348.5 (MANE Select); coding-DNA position 524, G replaced by A.
Protein change: p.Ser175Asn; replaces serine 175 with asparagine.
Molecular consequence: missense variant. On other transcripts: intron variant (1).
Genome position (GRCh38, 1-based): chr7:107,527,251, C>T on the plus strand (G>A on the coding strand, the complement: COG5 is on the minus strand). VCF-style: chr7-107527251-C-T. GRCh37 (hg19) VCF-style: chr7-107167696-C-T.
Other names: c.524G>A, p.Ser175Asn (NM_001161520.2, NM_001379511.1, NM_001379512.1 and 4 more transcripts); c.234+30725G>A (NM_001379516.1); c.617G>A (NM_006348.3); short protein forms S175N.
Identifiers: ClinVar variation 1405892 (VCV001405892.5), dbSNP rs770046536, ClinGen allele CA4431361.

ClinVar aggregate classification (germline): Uncertain significance. Review status: criteria provided, multiple submitters, no conflicts (2 of 4 stars). 2 submissions from 2 submitters: Uncertain significance (2). Last evaluated 2024-07-31.

Conditions:
COG5-congenital disorder of glycosylation. Also called: CONGENITAL DISORDER OF GLYCOSYLATION, TYPE IIi; CDG IIi; COG5-CDG. Identifiers: Orphanet 263487, MedGen C3150876, MONDO:0013325, OMIM 613612.
Inborn genetic diseases. Identifiers: MedGen C0950123, MeSH D030342.

Allele frequency attached by ClinVar (database versions not stated): gnomAD exomes 0.00006 and 0.00016; TOPMed 0.00009; ExAC 0.00011; gnomAD 0.00012 and 0.00013.
gnomAD v4.1: 262 of 1,592,448 alleles (0.016%); highest among the groups gnomAD compares: Non-Finnish European, 0.02%; no homozygotes.

Submissions (2):

Ambry Genetics
Classification: Uncertain significance for Inborn genetic diseases. Last evaluated: 2024-07-31. Review status: criteria provided, single submitter. Criteria: Ambry Variant Classification Scheme 2023. Collection method: clinical testing. Allele origin: germline.

Labcorp Genetics (formerly Invitae), Labcorp
Classification: Uncertain significance for COG5-congenital disorder of glycosylation. Last evaluated: 2022-10-13. Review status: criteria provided, single submitter. Criteria: Invitae Variant Classification Sherloc (09022015). Collection method: clinical testing. Allele origin: germline.
Comment: This sequence change replaces serine, which is neutral and polar, with asparagine, which is neutral and polar, at codon 206 of the COG5 protein (p.Ser206Asn). This variant is present in population databases (rs770046536, gnomAD 0.01%). This variant has not been reported in the literature in individuals affected with COG5-related conditions. ClinVar contains an entry for this variant (Variation ID: 1405892). Algorithms developed to predict the effect of missense changes on protein structure and function are either unavailable or do not agree on the potential impact of this missense change (SIFT: "Tolerated"; PolyPhen-2: "Possibly Damaging"; Align-GVGD: "Class C0"). In summary, the available evidence is currently insufficient to determine the role of this variant in disease. Therefore, it has been classified as a Variant of Uncertain Significance.